The following is an entry in ClinVar:

NM_025074.7(FRAS1):c.6298C>T (p.Gln2100Ter)

Gene: FRAS1 (Fraser extracellular matrix complex subunit 1; plus strand). Cytogenetic location: 4q21.21.
Variant type: single nucleotide variant.
Coding change: c.6298C>T on transcript NM_025074.7 (MANE Select); coding-DNA position 6298, C replaced by T.
Protein change: p.Gln2100Ter; replaces glutamine 2100 with a stop codon.
Molecular consequence: nonsense.
Genome position (GRCh38, 1-based): chr4:78,450,174, C>T. VCF-style: chr4-78450174-C-T. GRCh37 (hg19) VCF-style: chr4-79371328-C-T.
Other names: short protein forms Q2100*.
Identifiers: ClinVar variation 2958657 (VCV002958657.3), dbSNP rs2477230774, ClinGen allele CA357394426.

ClinVar aggregate classification (germline): Pathogenic (1 of 4 stars; one submission).

Submission:

Labcorp Genetics (formerly Invitae), Labcorp
Classification: Pathogenic. Last evaluated: 2023-10-27. Review status: criteria provided, single submitter. Criteria: Invitae Variant Classification Sherloc (09022015). Collection method: clinical testing. Allele origin: germline.
Comment: This sequence change creates a premature translational stop signal (p.Gln2100*) in the FRAS1 gene. It is expected to result in an absent or disrupted protein product. Loss-of-function variants in FRAS1 are known to be pathogenic (PMID: 12766769, 18671281). This variant is not present in population databases (gnomAD no frequency). This variant has not been reported in the literature in individuals affected with FRAS1-related conditions. For these reasons, this variant has been classified as Pathogenic.

Literature cited by the submitters: PubMed 12766769; PubMed 18671281.